The following is an entry in ClinVar:

NM_002437.5(MPV17):c.293del (p.Pro98fs)

Gene: MPV17 (mitochondrial inner membrane protein MPV17; minus strand). Cytogenetic location: 2p23.3.
Variant type: Deletion.
Coding change: c.293del on transcript NM_002437.5 (MANE Select); coding-DNA position 293, one base deleted (C; older notation c.293delC).
Protein change: p.Pro98fs; shifts the reading frame from proline 98.
Molecular consequence: frameshift variant.
Genome position (GRCh38, 1-based): chr2:27,312,576, G deleted on the plus strand (C on the coding strand, the reverse complement: MPV17 is on the minus strand); the first of 4 consecutive G bases (chr2:27,312,576-27,312,579); deleting any one gives the same sequence. VCF-style (leftmost placement, unchanged base first): chr2-27312575-CG-C. GRCh37 (hg19) VCF-style: chr2-27535442-CG-C.
Other names: short protein forms P98fs.
Identifiers: ClinVar variation 522374 (VCV000522374.9), dbSNP rs1553383480, ClinGen allele CA658795690.

ClinVar aggregate classification (germline): Pathogenic. Review status: criteria provided, multiple submitters, no conflicts (2 of 4 stars). 2 submissions from 2 submitters: Pathogenic (2). Last evaluated 2021-04-03.

Conditions:
Mitochondrial DNA depletion syndrome 6 (hepatocerebral type). Also called: Navajo neurohepatopathy; NAVAJO NEUROPATHY; Mitochondrial DNA depletion syndrome type 6. Identifiers: Orphanet 255229, MedGen C1850406, MONDO:0009747, OMIM 256810.

Submissions (2):

Labcorp Genetics (formerly Invitae), Labcorp
Classification: Pathogenic. Last evaluated: 2021-04-03. Review status: criteria provided, single submitter. Criteria: Invitae Variant Classification Sherloc (09022015). Collection method: clinical testing. Allele origin: germline.
Comment: For these reasons, this variant has been classified as Pathogenic. This variant has been observed in individual(s) with mitochondrial DNA depletion syndrome (PMID: 29282788). ClinVar contains an entry for this variant (Variation ID: 522374). This variant is not present in population databases (ExAC no frequency). This sequence change creates a premature translational stop signal (p.Pro98Argfs*4) in the MPV17 gene. It is expected to result in an absent or disrupted protein product. Loss-of-function variants in MPV17 are known to be pathogenic (PMID: 23714749).

Wong Mito Lab, Molecular and Human Genetics, Baylor College of Medicine
Classification: Pathogenic for Mitochondrial DNA depletion syndrome 6. Last evaluated: 2017-12-01. Review status: criteria provided, single submitter. Criteria: ACMG Guidelines, 2015. Collection method: clinical testing. Allele origin: germline. Affected: yes.

Literature cited by the submitters: PubMed 29282788 (cited by Labcorp Genetics (formerly Invitae), Labcorp); PubMed 23714749 (cited by Labcorp Genetics (formerly Invitae), Labcorp).